The following is an entry in ClinVar:

NM_032520.5(GNPTG):c.317+2T>G

Gene: GNPTG (N-acetylglucosamine-1-phosphate transferase subunit gamma; plus strand). Cytogenetic location: 16p13.3.
Variant type: single nucleotide variant.
Coding change: c.317+2T>G on transcript NM_032520.5 (MANE Select); the canonical splice donor site of the intron after coding-DNA position 317, T replaced by G.
Molecular consequence: splice donor variant.
Genome position (GRCh38, 1-based): chr16:1,361,957, T>G. VCF-style: chr16-1361957-T-G. GRCh37 (hg19) VCF-style: chr16-1411958-T-G.
Identifiers: ClinVar variation 4816332 (VCV004816332.1).

ClinVar aggregate classification (germline): Likely pathogenic (1 of 4 stars; one submission).

Conditions:
GNPTG-mucolipidosis. Also called: ML III GAMMA; ML IIIC; MUCOLIPIDOSIS III, COMPLEMENTATION GROUP C; MUCOLIPIDOSIS III, IRANIAN VARIANT FORM; MUCOLIPIDOSIS III, VARIANT FORM; Mucolipidosis type III gamma. Identifiers: Orphanet 423470, Orphanet 577, MedGen C1854896, MONDO:0009652, OMIM 252605.

Submission:

Natera, Inc.
Classification: Likely pathogenic for Mucolipidosis III gamma. Last evaluated: 2025-09-24. Review status: criteria provided, single submitter. Criteria: Natera Variant Classification Schema (03/2026). Collection method: clinical testing. Allele origin: germline.
Comment: The c.317+2T>G variant in GNPTG is a canonical splice donor site variant predicted to affect pre-mRNA splicing, which may result in an abnormal transcript and altered protein product. This variant is expected to result in nonsense mediated decay, truncation, or a dysfunctional protein product. This variant is rare in the general population with a frequency below the threshold expected for the associated phenotype(s). Given the available evidence, this variant is classified as Likely Pathogenic.